The following is an entry in ClinVar:

NM_006915.3(RP2):c.751A>G (p.Arg251Gly)

Gene: RP2 (RP2 activator of ARL3 GTPase; plus strand). Cytogenetic location: Xp11.3.
Variant type: single nucleotide variant.
Coding change: c.751A>G on transcript NM_006915.3 (MANE Select); coding-DNA position 751, A replaced by G.
Protein change: p.Arg251Gly; replaces arginine 251 with glycine.
Molecular consequence: missense variant.
Genome position (GRCh38, 1-based): chrX:46,854,124, A>G. VCF-style: chrX-46854124-A-G. GRCh37 (hg19) VCF-style: chrX-46713559-A-G.
Other names: short protein forms R251G.
Identifiers: ClinVar variation 737352 (VCV000737352.13), dbSNP rs190443020, ClinGen allele CA10394242.

ClinVar aggregate classification (germline): Benign/Likely benign. Review status: criteria provided, multiple submitters, no conflicts (2 of 4 stars). 4 submissions from 4 submitters: Benign (2); Likely benign (1). 1 of the submissions does not count toward it. Last evaluated 2025-01-31.

Conditions:
Retinitis pigmentosa 2 (RP2). Also called: Retinitis pigmentosa 2, X linked. Identifiers: Orphanet 791, MedGen C2681923, MONDO:0010723, OMIM 312600.
RP2-related disorder. Also called: RP2-related condition.

Allele frequency attached by ClinVar (database versions not stated): gnomAD exomes 0.00006 and 0.00027; gnomAD 0.00009 and 0.00012; TOPMed 0.00012; ExAC 0.00023; 1000 Genomes Project 0.00079; 1000 Genomes Project 30x 0.00083.
gnomAD v4.1: 81 of 1,208,511 alleles (0.0067%); highest among the groups gnomAD compares: East Asian, 0.22%; no homozygotes.

Submissions (4):

Labcorp Genetics (formerly Invitae), Labcorp
Classification: Benign. Last evaluated: 2025-01-31. Review status: criteria provided, single submitter. Criteria: Invitae Variant Classification Sherloc (09022015). Collection method: clinical testing. Allele origin: germline.

Blueprint Genetics
Classification: Benign. Last evaluated: 2024-10-22. Review status: criteria provided, single submitter. Criteria: ACMG Guidelines, 2015. Collection method: clinical testing. Allele origin: germline.

Fulgent Genetics
Classification: Likely benign for Retinitis pigmentosa 2. Last evaluated: 2021-12-07. Review status: criteria provided, single submitter. Criteria: ACMG Guidelines, 2015. Collection method: clinical testing. Allele origin: unknown.

PreventionGenetics, part of Exact Sciences
Classification: Benign for RP2-related condition. Last evaluated: 2020-07-15. Review status: no assertion criteria provided. Collection method: clinical testing. Allele origin: germline. Not counted in ClinVar's aggregate classification.
Comment: This variant is classified as benign based on ACMG/AMP sequence variant interpretation guidelines (Richards et al. 2015 PMID: 25741868, with internal and published modifications).